The following is an entry in ClinVar:

NM_001904.4(CTNNB1):c.1354_1357del (p.Leu452fs)

Genes: CTNNB1 (catenin beta 1; plus strand), LOC126806659 (BRD4-independent group 4 enhancer GRCh37_chr3:41274918-41276117; plus strand). Cytogenetic location: 3p22.1.
Variant type: Deletion.
Coding change: c.1354_1357del on transcript NM_001904.4 (MANE Select); coding-DNA positions 1354 to 1357, 4 bases deleted (CTTC; older notation c.1354_1357delCTTC).
Protein change: p.Leu452fs; shifts the reading frame from leucine 452.
Molecular consequence: frameshift variant.
Genome position (GRCh38, 1-based): chr3:41,233,697-41,233,700, CTTC deleted; deleting any 4 consecutive bases within chr3:41,233,695-41,233,700 gives the same sequence; the c. name uses the placement nearest the transcript's 3' end. VCF-style (leftmost placement, unchanged base first): chr3-41233694-GTCCT-G. GRCh37 (hg19) VCF-style: chr3-41275185-GTCCT-G.
Other names: c.1354_1357del, p.Leu452fs (NM_001098209.2, NM_001098210.2); c.1333_1336del, p.Leu445fs (NM_001330729.2); short protein forms L445fs, L452fs.
Identifiers: ClinVar variation 817107 (VCV000817107.1), dbSNP rs1575329479, ClinGen allele CA915942441.
Genomic context (GRCh38, chr3:41,233,694, plus strand): 5'-AATTATAAGAACAAGATGATGGTCTGCCAAGTGGGTGGTATAGAGGCTCTTGTGCGTACT[GTCCT>G]TCGGGCTGGTGACAGGGAAGACATCACTGAGCCTGCCATCTGTGCTCTTCGTCATCTGAC-3'

ClinVar aggregate classification (germline): Pathogenic (1 of 4 stars; one submission).

Submission:

GeneDx
Classification: Pathogenic. Last evaluated: 2018-06-26. Review status: criteria provided, single submitter. Criteria: GeneDx Variant Classification (06012015). Collection method: clinical testing. Allele origin: germline. Affected: yes.
Comment: The c.1354_1357delCTTC variant in the CTNNB1 gene has not been reported previously as a pathogenic variant nor as a benign variant, to our knowledge. The c.1354_1357delCTTC variant causes a frameshift starting with codon Leucine 452, changes this amino acid to a Glycine residue, and creates a premature Stop codon at position 19 of the new reading frame, denoted p.Leu452GlyfsX19. This variant is predicted to cause loss of normal protein function either through protein truncation or nonsense-mediated mRNA decay. The c.1354_1357delCTTC variant is not observed in large population cohorts (Lek et al., 2016). We interpret c.1354_1357delCTTC as a pathogenic variant.